The following is an entry in ClinVar:

ClinVar aggregate classification (germline): Uncertain significance (1 of 4 stars; one submission).

Submission:

GeneDx
Classification: Uncertain significance. Last evaluated: 2025-02-12. Review status: criteria provided, single submitter. Criteria: GeneDx Variant Classification Process June 2021. Collection method: clinical testing. Allele origin: germline. Affected: yes.
Comment: Not observed at significant frequency in large population cohorts (gnomAD); In silico analysis supports a deleterious effect on splicing; Has not been previously published as pathogenic or benign to our knowledge

NM_002585.4(PBX1):c.838-3T>G

Gene: PBX1 (PBX homeobox 1; plus strand). Cytogenetic location: 1q23.3.
Variant type: single nucleotide variant.
Coding change: c.838-3T>G on transcript NM_002585.4 (MANE Select); 3 bases into the intron before coding-DNA position 838, T replaced by G.
Molecular consequence: intron variant.
Genome position (GRCh38, 1-based): chr1:164,811,987, T>G. VCF-style: chr1-164811987-T-G. GRCh37 (hg19) VCF-style: chr1-164781224-T-G.
Other names: c.838-3T>G (NM_001353131.2, NM_001204961.2, NM_001204963.2); c.589-3T>G (NM_001353130.1).
Identifiers: ClinVar variation 4075562 (VCV004075562.1).
Genomic context (GRCh38, chr1:164,811,987, plus strand): 5'-TCTTCTGCAATGTTTCTGAAGGATGAAATGTGAACTTTCTCATCTTCTCTTAAACTACTC[T>G]AGGTATCAAACTGGTTTGGAAATAAGCGAATCCGGTACAAGAAGAACATAGGTAAATTTC-3'